The following is an entry in ClinVar:

NM_003482.4(KMT2D):c.3704del (p.Gly1235fs)

Genes: KMT2D (lysine methyltransferase 2D; minus strand), LOC126861520 (CDK7 strongly-dependent group 2 enhancer GRCh37_chr12:49442744-49443943; plus strand). Cytogenetic location: 12q13.12.
Variant type: Deletion.
Coding change: c.3704del on transcript NM_003482.4 (MANE Select); coding-DNA position 3704, one base deleted (G; older notation c.3704delG).
Protein change: p.Gly1235fs; shifts the reading frame from glycine 1235.
Molecular consequence: frameshift variant.
Genome position (GRCh38, 1-based): chr12:49,049,884, C deleted on the plus strand (G on the coding strand, the reverse complement: KMT2D is on the minus strand); the first of 6 consecutive C bases (chr12:49,049,884-49,049,889); deleting any one gives the same sequence. VCF-style (leftmost placement, unchanged base first): chr12-49049883-AC-A. GRCh37 (hg19) VCF-style: chr12-49443666-AC-A.
Other names: c.3704delG (NM_003482.3); short protein forms G1235fs.
Identifiers: ClinVar variation 573747 (VCV000573747.8), dbSNP rs1364500207, ClinGen allele CA479713431.

ClinVar aggregate classification (germline): Pathogenic. Review status: criteria provided, multiple submitters, no conflicts (2 of 4 stars). 2 submissions from 2 submitters: Pathogenic (2). Last evaluated 2018-06-04.

Conditions:
Kabuki syndrome. Also called: NIIKAWA-KUROKI SYNDROME; Kabuki make-up syndrome. Identifiers: Orphanet 2322, MedGen C0796004, MONDO:0016512.

Submissions (2):

Labcorp Genetics (formerly Invitae), Labcorp
Classification: Pathogenic for Kabuki syndrome. Last evaluated: 2018-06-04. Review status: criteria provided, single submitter. Criteria: Invitae Variant Classification Sherloc (09022015). Collection method: clinical testing. Allele origin: germline.
Comment: This sequence change creates a premature translational stop signal (p.Gly1235Valfs*95) in the KMT2D gene. It is expected to result in an absent or disrupted protein product. This variant is not present in population databases (ExAC no frequency). This variant has not been reported in the literature in individuals with KMT2D-related disease. Loss-of-function variants in KMT2D are known to be pathogenic (PMID: 22126750). For these reasons, this variant has been classified as Pathogenic.

Clinical Genetics and Genomics, Karolinska University Hospital
Classification: Pathogenic. Last evaluated: 2015-10-21. Review status: criteria provided, single submitter. Criteria: ACMG Guidelines, 2015. Collection method: clinical testing. Allele origin: germline. Affected: yes. Observed: 1 variant allele.

Literature cited by the submitters: PubMed 22126750 (cited by Labcorp Genetics (formerly Invitae), Labcorp).